The following is an entry in ClinVar:

NM_001256789.3(CACNA1F):c.370A>G (p.Asn124Asp)

Gene: CACNA1F (calcium voltage-gated channel subunit alpha1 F; minus strand). Cytogenetic location: Xp11.23.
Variant type: single nucleotide variant.
Coding change: c.370A>G on transcript NM_001256789.3 (MANE Select); coding-DNA position 370, A replaced by G.
Protein change: p.Asn124Asp; replaces asparagine 124 with aspartic acid.
Molecular consequence: missense variant.
Genome position (GRCh38, 1-based): chrX:49,231,213, T>C on the plus strand (A>G on the coding strand, the complement: CACNA1F is on the minus strand). VCF-style: chrX-49231213-T-C. GRCh37 (hg19) VCF-style: chrX-49087675-T-C.
Other names: c.175A>G, p.Asn59Asp (NM_001256790.3); c.370A>G, p.Asn124Asp (NM_005183.4); short protein forms N124D, N59D.
Identifiers: ClinVar variation 964071 (VCV000964071.10), dbSNP rs367849166, ClinGen allele CA10411094.

ClinVar aggregate classification (germline): Uncertain significance. Review status: criteria provided, multiple submitters, no conflicts (2 of 4 stars). 2 submissions from 2 submitters: Uncertain significance (2). Last evaluated 2025-06-17.

Allele frequency attached by ClinVar (database versions not stated): TOPMed 0.00004; gnomAD exomes 0.00005 and 0.00007; gnomAD 0.00006; ESP Exome Variant Server 0.00010; ExAC 0.00013.
gnomAD v4.1: 78 of 1,150,476 alleles (0.0068%); highest among the groups gnomAD compares: Non-Finnish European, 0.0087%; no homozygotes.

Submissions (2):

Labcorp Genetics (formerly Invitae), Labcorp
Classification: Uncertain significance. Last evaluated: 2025-06-17. Review status: criteria provided, single submitter. Criteria: Invitae Variant Classification Sherloc (09022015). Collection method: clinical testing. Allele origin: germline.
Comment: This sequence change replaces asparagine, which is neutral and polar, with aspartic acid, which is acidic and polar, at codon 124 of the CACNA1F protein (p.Asn124Asp). This variant is present in population databases (rs367849166, gnomAD 0.01%). This variant has not been reported in the literature in individuals affected with CACNA1F-related conditions. ClinVar contains an entry for this variant (Variation ID: 964071). Invitae Evidence Modeling of protein sequence and biophysical properties (such as structural, functional, and spatial information, amino acid conservation, physicochemical variation, residue mobility, and thermodynamic stability) indicates that this missense variant is expected to disrupt CACNA1F protein function with a positive predictive value of 80%. In summary, the available evidence is currently insufficient to determine the role of this variant in disease. Therefore, it has been classified as a Variant of Uncertain Significance.

Blueprint Genetics
Classification: Uncertain significance. Last evaluated: 2023-02-02. Review status: criteria provided, single submitter. Criteria: ACMG Guidelines, 2015. Collection method: clinical testing. Allele origin: germline.